The following is an entry in ClinVar:

ClinVar aggregate classification (germline): Uncertain significance (1 of 4 stars; one submission).

Submission:

Labcorp Genetics (formerly Invitae), Labcorp
Classification: Uncertain significance. Last evaluated: 2022-12-02. Review status: criteria provided, single submitter. Criteria: Invitae Variant Classification Sherloc (09022015). Collection method: clinical testing. Allele origin: germline.
Comment: In summary, the available evidence is currently insufficient to determine the role of this variant in disease. Therefore, it has been classified as a Variant of Uncertain Significance. Algorithms developed to predict the effect of missense changes on protein structure and function are either unavailable or do not agree on the potential impact of this missense change (SIFT: "Deleterious"; PolyPhen-2: "Probably Damaging"; Align-GVGD: "Class C0"). This variant has not been reported in the literature in individuals affected with GATA5-related conditions. This variant is not present in population databases (gnomAD no frequency). This sequence change replaces tryptophan, which is neutral and slightly polar, with serine, which is neutral and polar, at codon 391 of the GATA5 protein (p.Trp391Ser).

NM_080473.5(GATA5):c.1172G>C (p.Trp391Ser)

Gene: GATA5 (GATA binding protein 5; minus strand). Cytogenetic location: 20q13.33.
Variant type: single nucleotide variant.
Coding change: c.1172G>C on transcript NM_080473.5 (MANE Select); coding-DNA position 1172, G replaced by C.
Protein change: p.Trp391Ser; replaces tryptophan 391 with serine.
Molecular consequence: missense variant.
Genome position (GRCh38, 1-based): chr20:62,464,858, C>G on the plus strand (G>C on the coding strand, the complement: GATA5 is on the minus strand). VCF-style: chr20-62464858-C-G. GRCh37 (hg19) VCF-style: chr20-61039914-C-G.
Other names: short protein forms W391S.
Identifiers: ClinVar variation 2813652 (VCV002813652.3), dbSNP rs1989537481, ClinGen allele CA409551595.